The following is an entry in ClinVar:

ClinVar aggregate classification (germline): Likely pathogenic (1 of 4 stars; one submission).

Conditions:
Methylmalonic acidemia with homocystinuria, type cblJ (MAHCJ). Also called: METHYLMALONIC ACIDURIA AND HOMOCYSTINURIA, cblJ TYPE. Identifiers: Orphanet 369955, MedGen C3553915, MONDO:0013925, OMIM 614857.

Submission:

Clinical Research Development Center, Iran University of Medical Sciences (IUMS)
Classification: Likely pathogenic for Methylmalonic acidemia with homocystinuria, type cblJ. Last evaluated: 2026-06-21. Review status: criteria provided, single submitter. Criteria: ACMG Guidelines, 2015. Collection method: clinical testing. Allele origin: germline. Affected: yes.
Comment: The c.1567del variant in ABCD4 was absent from large population studies (PM2). Furthermore, it is a null variant in a gene where loss of function is a known mechanism of disease; so, it results in an absent or disrupted protein product (PVS1).

Literature cited by the submitters: PubMed 33845046.

NM_005050.4(ABCD4):c.1567del (p.Val523fs)

Gene: ABCD4 (ATP binding cassette subfamily D member 4; minus strand). Cytogenetic location: 14q24.3.
Variant type: Deletion.
Coding change: c.1567del on transcript NM_005050.4 (MANE Select); coding-DNA position 1567, one base deleted (G; older notation c.1567delG).
Protein change: p.Val523fs; shifts the reading frame from valine 523.
Molecular consequence: frameshift variant. On other transcripts: non-coding transcript variant (10).
Genome position (GRCh38, 1-based): chr14:74,287,879, C deleted on the plus strand (G on the coding strand, the reverse complement: ABCD4 is on the minus strand). VCF-style (leftmost placement, unchanged base first): chr14-74287878-AC-A. GRCh37 (hg19) VCF-style: chr14-74754581-AC-A.
Other names: c.1441del, p.Val481fs (NM_001353591.2, NM_001353592.2); c.1306del, p.Val436fs (NM_001353593.2); c.1255del, p.Val419fs (NM_001353594.2); c.1153del, p.Val385fs (NM_001353595.2, NM_001353596.2); c.1102del, p.Val368fs (NM_001353597.2); c.1090del, p.Val364fs (NM_001353598.2, NM_001353599.2, NM_001353600.2 and 3 more transcripts); c.778del, p.Val260fs (NM_001353602.2, NM_001353603.2, NM_001353604.2 and 5 more transcripts); c.834del, p.Met278fs (NM_001353610.2); and 3 more; short protein forms M278fs, M541fs, V260fs, V364fs, V368fs, V385fs, V419fs, V432fs.
Identifiers: ClinVar variation 4857213 (VCV004857213.1).